The following is an entry in ClinVar:

ClinVar aggregate classification (germline): Uncertain significance. Review status: criteria provided, multiple submitters, no conflicts (2 of 4 stars). 2 submissions from 2 submitters: Uncertain significance (2). Last evaluated 2021-12-03.

Conditions:
Neonatal encephalomyopathy-cardiomyopathy-respiratory distress syndrome. Also called: Coenzyme Q10 deficiency, primary, 7. Identifiers: Orphanet 457185, MedGen C5568562, MONDO:0014562, OMIM 616276.
Inborn genetic diseases. Identifiers: MedGen C0950123, MeSH D030342.

Allele frequency attached by ClinVar (database versions not stated): TOPMed below 0.00001; gnomAD exomes 0.00001.

Submissions (2):

Labcorp Genetics (formerly Invitae), Labcorp
Classification: Uncertain significance for Neonatal encephalomyopathy-cardiomyopathy-respiratory distress syndrome. Last evaluated: 2021-12-03. Review status: criteria provided, single submitter. Criteria: Invitae Variant Classification Sherloc (09022015). Collection method: clinical testing. Allele origin: germline.
Comment: In summary, the available evidence is currently insufficient to determine the role of this variant in disease. Therefore, it has been classified as a Variant of Uncertain Significance. Algorithms developed to predict the effect of missense changes on protein structure and function output the following: SIFT: "Tolerated"; PolyPhen-2: "Benign"; Align-GVGD: "Class C0". The serine amino acid residue is found in multiple mammalian species, which suggests that this missense change does not adversely affect protein function. This variant has not been reported in the literature in individuals affected with COQ4-related conditions. This variant is present in population databases (no rsID available, gnomAD no frequency). This sequence change replaces proline, which is neutral and non-polar, with serine, which is neutral and polar, at codon 7 of the COQ4 protein (p.Pro7Ser).

Ambry Genetics
Classification: Uncertain significance for Inborn genetic diseases. Last evaluated: 2021-06-07. Review status: criteria provided, single submitter. Criteria: Ambry Variant Classification Scheme 2023. Collection method: clinical testing. Allele origin: germline.

NM_016035.5(COQ4):c.19C>T (p.Pro7Ser)

Gene: COQ4 (coenzyme Q4; plus strand). Cytogenetic location: 9q34.11.
Variant type: single nucleotide variant.
Coding change: c.19C>T on transcript NM_016035.5 (MANE Select); coding-DNA position 19, C replaced by T.
Protein change: p.Pro7Ser; replaces proline 7 with serine.
Molecular consequence: missense variant.
Genome position (GRCh38, 1-based): chr9:128,322,877, C>T. VCF-style: chr9-128322877-C-T. GRCh37 (hg19) VCF-style: chr9-131085156-C-T.
Other names: c.19C>T, p.Pro7Ser (NM_001305942.2); short protein forms P7S.
Identifiers: ClinVar variation 1912201 (VCV001912201.6), dbSNP rs1253656416, ClinGen allele CA375016959.